The following is an entry in ClinVar:

NM_021815.5(SLC5A7):c.236G>A (p.Gly79Asp)

Gene: SLC5A7 (solute carrier family 5 member 7; plus strand). Cytogenetic location: 2q12.3.
Variant type: single nucleotide variant.
Coding change: c.236G>A on transcript NM_021815.5 (MANE Select); coding-DNA position 236, G replaced by A.
Protein change: p.Gly79Asp; replaces glycine 79 with aspartic acid.
Molecular consequence: missense variant. On other transcripts: 5 prime UTR variant (2).
Genome position (GRCh38, 1-based): chr2:107,992,163, G>A. VCF-style: chr2-107992163-G-A. GRCh37 (hg19) VCF-style: chr2-108608619-G-A.
Other names: c.236G>A, p.Gly79Asp (NM_001305005.3); c.-80G>A (NM_001305006.3); c.-469G>A (NM_001305007.3); short protein forms G79D.
Identifiers: ClinVar variation 4792865 (VCV004792865.1).
Genomic context (GRCh38, chr2:107,992,163, plus strand): 5'-CAGCTACCTGGGTCGGAGGAGGGTATATCAATGGCACAGCTGAAGCAGTTTATGTACCAG[G>A]TTATGGCCTAGCTTGGGCTCAGGCACCAATTGGATATTCTCTTAGTCTGATTTTAGGTAA-3'
Protein context (NP_068587.1, residues 69-89): NGTAEAVYVP[Gly79Asp]YGLAWAQAPI

ClinVar aggregate classification (germline): Uncertain significance (1 of 4 stars; one submission).

Conditions:
Congenital myasthenic syndrome 20. Also called: Myasthenic syndrome, congenital, 20, presynaptic. Identifiers: MedGen C4310694, MONDO:0014939, OMIM 617143.
Neuronopathy, distal hereditary motor, type 7A. Also called: NEURONOPATHY, DISTAL HEREDITARY MOTOR, HARDING TYPE VIIA; NEUROPATHY, DISTAL HEREDITARY MOTOR, HARDING TYPE VIIA; Neuronopathy, distal hereditary motor, autosomal dominant 7; HARPER-YOUNG MYOPATHY; HMN VIIA; Neuronopathy, distal hereditary motor, type viia. Identifiers: Orphanet 139589, MedGen C1834703, MONDO:0008024, OMIM 158580.

gnomAD v4.1: 2 of 1,613,842 alleles (0.00012%); highest among the groups gnomAD compares: East Asian, 0.0022%; no homozygotes.

Submission:

Labcorp Genetics (formerly Invitae), Labcorp
Classification: Uncertain significance for Neuronopathy, distal hereditary motor, type 7A; Congenital myasthenic syndrome 20. Last evaluated: 2026-01-02. Review status: criteria provided, single submitter. Criteria: Invitae Variant Classification Sherloc (09022015). Collection method: clinical testing. Allele origin: germline.
Comment: This sequence change replaces glycine, which is neutral and non-polar, with aspartic acid, which is acidic and polar, at codon 79 of the SLC5A7 protein (p.Gly79Asp). This variant is not present in population databases (gnomAD no frequency). This variant has not been reported in the literature in individuals affected with SLC5A7-related conditions. An algorithm developed to predict the effect of missense changes on protein structure and function outputs the following: PolyPhen-2: "Benign". The aspartic acid amino acid residue is found in multiple mammalian species, which suggests that this missense change does not adversely affect protein function. In summary, the available evidence is currently insufficient to determine the role of this variant in disease. Therefore, it has been classified as a Variant of Uncertain Significance.